The following is an entry in ClinVar:

NM_014055.4(IFT81):c.191G>A (p.Arg64Gln)

Gene: IFT81 (intraflagellar transport 81; plus strand). Cytogenetic location: 12q24.11.
Variant type: single nucleotide variant.
Coding change: c.191G>A on transcript NM_014055.4 (MANE Select); coding-DNA position 191, G replaced by A.
Protein change: p.Arg64Gln; replaces arginine 64 with glutamine.
Molecular consequence: missense variant. On other transcripts: 5 prime UTR variant (2), non-coding transcript variant (4).
Genome position (GRCh38, 1-based): chr12:110,128,092, G>A. VCF-style: chr12-110128092-G-A. GRCh37 (hg19) VCF-style: chr12-110565897-G-A.
Other names: c.191G>A (NM_014055.3); c.191G>A, p.Arg64Gln (NM_001143779.2, NM_001347946.2, NM_031473.4); c.-576G>A (NM_001347947.2, NM_001347948.2); short protein forms R64Q.
Identifiers: ClinVar variation 1483017 (VCV001483017.7), dbSNP rs1322395598, ClinGen allele CA386907006.

ClinVar aggregate classification (germline): Uncertain significance. Review status: criteria provided, multiple submitters, no conflicts (2 of 4 stars). 2 submissions from 2 submitters: Uncertain significance (2). Last evaluated 2022-04-26.

Conditions:
Inborn genetic diseases. Identifiers: MedGen C0950123, MeSH D030342.

Allele frequency attached by ClinVar (database versions not stated): gnomAD exomes below 0.00001; TOPMed below 0.00001.
gnomAD v4.1: 7 of 1,613,800 alleles (0.00043%); highest among the groups gnomAD compares: Admixed American, 0.0017%; no homozygotes.

Submissions (2):

Labcorp Genetics (formerly Invitae), Labcorp
Classification: Uncertain significance. Last evaluated: 2022-04-26. Review status: criteria provided, single submitter. Criteria: Invitae Variant Classification Sherloc (09022015). Collection method: clinical testing. Allele origin: germline.
Comment: In summary, the available evidence is currently insufficient to determine the role of this variant in disease. Therefore, it has been classified as a Variant of Uncertain Significance. Algorithms developed to predict the effect of missense changes on protein structure and function (SIFT, PolyPhen-2, Align-GVGD) all suggest that this variant is likely to be disruptive. This variant has not been reported in the literature in individuals affected with IFT81-related conditions. This variant is present in population databases (no rsID available, gnomAD 0.003%). This sequence change replaces arginine, which is basic and polar, with glutamine, which is neutral and polar, at codon 64 of the IFT81 protein (p.Arg64Gln).

Ambry Genetics
Classification: Uncertain significance for Inborn genetic diseases. Last evaluated: 2022-04-12. Review status: criteria provided, single submitter. Criteria: Ambry Variant Classification Scheme 2023. Collection method: clinical testing. Allele origin: germline.